The following is an entry in ClinVar:

ClinVar aggregate classification (germline): Uncertain significance. Review status: criteria provided, multiple submitters, no conflicts (2 of 4 stars). 3 submissions from 3 submitters: Uncertain significance (3). Last evaluated 2024-09-30.

Conditions:
Kabuki syndrome 1 (KABUK1). Also called: KMT2D-Related Kabuki Syndrome. Identifiers: Orphanet 2322, MedGen CN030661, MONDO:0007843, OMIM 147920.
Choanal atresia-athelia-hypothyroidism-delayed puberty-short stature syndrome (BCAHH). Also called: BRANCHIAL ARCH ABNORMALITIES, CHOANAL ATRESIA, ATHELIA, HEARING LOSS, AND HYPOTHYROIDISM SYNDROME. Identifiers: Orphanet 589856, MedGen C5680310, MONDO:0035651, OMIM 620186.
Inborn genetic diseases. Identifiers: MedGen C0950123, MeSH D030342.
Kabuki syndrome. Also called: NIIKAWA-KUROKI SYNDROME; Kabuki make-up syndrome. Identifiers: Orphanet 2322, MedGen C0796004, MONDO:0016512.

gnomAD v4.1: 1 of 1,613,816 alleles (0.000062%); highest among the groups gnomAD compares: Non-Finnish European, 0.000085%; no homozygotes.

Submissions (3):

Labcorp Genetics (formerly Invitae), Labcorp
Classification: Uncertain significance for Kabuki syndrome. Last evaluated: 2024-09-30. Review status: criteria provided, single submitter. Criteria: Invitae Variant Classification Sherloc (09022015). Collection method: clinical testing. Allele origin: germline.
Comment: This sequence change replaces serine, which is neutral and polar, with proline, which is neutral and non-polar, at codon 360 of the KMT2D protein (p.Ser360Pro). This variant is not present in population databases (gnomAD no frequency). This variant has not been reported in the literature in individuals affected with KMT2D-related conditions. Invitae Evidence Modeling of protein sequence and biophysical properties (such as structural, functional, and spatial information, amino acid conservation, physicochemical variation, residue mobility, and thermodynamic stability) indicates that this missense variant is not expected to disrupt KMT2D protein function with a negative predictive value of 95%. In summary, the available evidence is currently insufficient to determine the role of this variant in disease. Therefore, it has been classified as a Variant of Uncertain Significance.

Ambry Genetics
Classification: Uncertain significance for Inborn genetic diseases. Last evaluated: 2024-05-15. Review status: criteria provided, single submitter. Criteria: Ambry Variant Classification Scheme 2023. Collection method: clinical testing. Allele origin: germline.

Fulgent Genetics
Classification: Uncertain significance for Kabuki syndrome 1; Choanal atresia-athelia-hypothyroidism-delayed puberty-short stature syndrome. Last evaluated: 2024-01-14. Review status: criteria provided, single submitter. Criteria: ACMG Guidelines, 2015. Collection method: clinical testing. Allele origin: germline.

NM_003482.4(KMT2D):c.1078T>C (p.Ser360Pro)

Gene: KMT2D (lysine methyltransferase 2D; minus strand). Cytogenetic location: 12q13.12.
Variant type: single nucleotide variant.
Coding change: c.1078T>C on transcript NM_003482.4 (MANE Select); coding-DNA position 1078, T replaced by C.
Protein change: p.Ser360Pro; replaces serine 360 with proline.
Molecular consequence: missense variant.
Genome position (GRCh38, 1-based): chr12:49,052,949, A>G on the plus strand (T>C on the coding strand, the complement: KMT2D is on the minus strand). VCF-style: chr12-49052949-A-G. GRCh37 (hg19) VCF-style: chr12-49446732-A-G.
Other names: c.1078T>C (NM_003482.3); short protein forms S360P.
Identifiers: ClinVar variation 1415074 (VCV001415074.10), dbSNP rs763806964, ClinGen allele CA236621860.